The following is an entry in ClinVar:

ClinVar aggregate classification (germline): Uncertain significance. Review status: criteria provided, multiple submitters, no conflicts (2 of 4 stars). 3 submissions from 3 submitters: Uncertain significance (3). Last evaluated 2025-11-06.

Conditions:
Inborn genetic diseases. Identifiers: MedGen C0950123, MeSH D030342.

Allele frequency attached by ClinVar (database versions not stated): gnomAD exomes below 0.00001; TOPMed 0.00001.
gnomAD v4.1: 2 of 1,613,690 alleles (0.00012%); highest among the groups gnomAD compares: Non-Finnish European, 0.00017%; no homozygotes.

Submissions (3):

Ambry Genetics
Classification: Uncertain significance for Inborn genetic diseases. Last evaluated: 2025-11-06. Review status: criteria provided, single submitter. Criteria: Ambry Variant Classification Scheme 2023. Collection method: clinical testing. Allele origin: germline.

Labcorp Genetics (formerly Invitae), Labcorp
Classification: Uncertain significance. Last evaluated: 2025-09-15. Review status: criteria provided, single submitter. Criteria: Invitae Variant Classification Sherloc (09022015). Collection method: clinical testing. Allele origin: germline.
Comment: This sequence change replaces glycine, which is neutral and non-polar, with aspartic acid, which is acidic and polar, at codon 525 of the CACNA2D4 protein (p.Gly525Asp). This variant is present in population databases (no rsID available, gnomAD 0.002%). This variant has not been reported in the literature in individuals affected with CACNA2D4-related conditions. ClinVar contains an entry for this variant (Variation ID: 1939382). An algorithm developed to predict the effect of missense changes on protein structure and function (PolyPhen-2) suggests that this variant is likely to be disruptive. In summary, the available evidence is currently insufficient to determine the role of this variant in disease. Therefore, it has been classified as a Variant of Uncertain Significance.

Blueprint Genetics
Classification: Uncertain significance. Last evaluated: 2019-11-06. Review status: criteria provided, single submitter. Criteria: ACMG Guidelines, 2015. Collection method: clinical testing. Allele origin: germline.

NM_172364.5(CACNA2D4):c.1574G>A (p.Gly525Asp)

Gene: CACNA2D4 (calcium voltage-gated channel auxiliary subunit alpha2delta 4; minus strand). Cytogenetic location: 12p13.33.
Variant type: single nucleotide variant.
Coding change: c.1574G>A on transcript NM_172364.5 (MANE Select); coding-DNA position 1574, G replaced by A.
Protein change: p.Gly525Asp; replaces glycine 525 with aspartic acid.
Molecular consequence: missense variant.
Genome position (GRCh38, 1-based): chr12:1,879,026, C>T on the plus strand (G>A on the coding strand, the complement: CACNA2D4 is on the minus strand). VCF-style: chr12-1879026-C-T. GRCh37 (hg19) VCF-style: chr12-1988192-C-T.
Other names: c.1574G>A (NM_172364.4); short protein forms G525D.
Identifiers: ClinVar variation 1939382 (VCV001939382.7), dbSNP rs1287980257, ClinGen allele CA383354119.